The following is an entry in ClinVar:

NM_001042424.3(NSD2):c.1675-10del

Gene: NSD2 (nuclear receptor binding SET domain protein 2; plus strand). Cytogenetic location: 4p16.3.
Variant type: Deletion.
Coding change: c.1675-10del on transcript NM_001042424.3 (MANE Select); 10 bases into the intron before coding-DNA position 1675, one base deleted (T; older notation c.1675-10delT).
Molecular consequence: intron variant.
Genome position (GRCh38, 1-based): chr4:1,938,441, T deleted; the last of 25 consecutive T bases (chr4:1,938,417-1,938,441); deleting any one gives the same sequence. VCF-style (leftmost placement, unchanged base first): chr4-1938416-CT-C. GRCh37 (hg19) VCF-style: chr4-1940143-CT-C.
Other names: c.1675-10del (NM_001440892.1, NM_001440894.1, NM_001440895.1 and 6 more transcripts); c.1774-10del (NM_001440893.1); c.706-10del (NM_001440900.1, NM_001440899.1); c.1674+3179del (NM_001440897.1, NM_001440898.1).
Identifiers: ClinVar variation 3059006 (VCV003059006.2), dbSNP rs746279426, ClinGen allele CA2812188.

ClinVar aggregate classification (germline): Likely benign (0 of 4 stars; one submission).

Conditions:
NSD2-related disorder. Also called: NSD2-related condition; NSD2 related disorders.

Submission:

PreventionGenetics, part of Exact Sciences
Classification: Likely benign for NSD2-related condition. Last evaluated: 2020-01-23. Review status: no assertion criteria provided. Collection method: clinical testing. Allele origin: germline.
Comment: This variant is classified as likely benign based on ACMG/AMP sequence variant interpretation guidelines (Richards et al. 2015 PMID: 25741868, with internal and published modifications).